The following is an entry in ClinVar:

NM_000142.5(FGFR3):c.51_59del (p.Ala18_Ala20del)

Gene: FGFR3 (fibroblast growth factor receptor 3; plus strand). Cytogenetic location: 4p16.3.
Variant type: Deletion.
Coding change: c.51_59del on transcript NM_000142.5 (MANE Select); coding-DNA positions 51 to 59, 9 bases deleted (GGCCGGCGC; older notation c.51_59delGGCCGGCGC).
Protein change: p.Ala18_Ala20del.
Molecular consequence: inframe deletion. On other transcripts: non-coding transcript variant (1).
Genome position (GRCh38, 1-based): chr4:1,793,985-1,793,993, GGCCGGCGC deleted. VCF-style (leftmost placement, unchanged base first): chr4-1793984-TGGCCGGCGC-T. GRCh37 (hg19) VCF-style: chr4-1795711-TGGCCGGCGC-T.
Other names: c.51_59del, p.Ala18_Ala20del (NM_001163213.2, NM_001354809.2, NM_001354810.2 and 1 more transcripts).
Identifiers: ClinVar variation 2802675 (VCV002802675.3), dbSNP rs2546775636, ClinGen allele CA2739270008.
Genomic context (GRCh38, chr4:1,793,984, plus strand): 5'-CCGCCCCCGCCATGGGCGCCCCTGCCTGCGCCCTCGCGCTCTGCGTGGCCGTGGCCATCG[TGGCCGGCGC>T]CTCCTCGGAGTCCTTGGGGACGGAGCAGCGCGTCGTGGGGCGAGCGGCAGGTAAGAAGGG-3'

ClinVar aggregate classification (germline): Uncertain significance (1 of 4 stars; one submission).

Submission:

Labcorp Genetics (formerly Invitae), Labcorp
Classification: Uncertain significance. Last evaluated: 2023-07-26. Review status: criteria provided, single submitter. Criteria: Invitae Variant Classification Sherloc (09022015). Collection method: clinical testing. Allele origin: germline.
Comment: This variant is not present in population databases (gnomAD no frequency). This variant, c.51_59del, results in the deletion of 3 amino acid(s) of the FGFR3 protein (p.Ala18_Ala20del), but otherwise preserves the integrity of the reading frame. In summary, the available evidence is currently insufficient to determine the role of this variant in disease. Therefore, it has been classified as a Variant of Uncertain Significance. Experimental studies and prediction algorithms are not available or were not evaluated, and the functional significance of this variant is currently unknown. This variant has not been reported in the literature in individuals affected with FGFR3-related conditions.